The following is an entry in ClinVar:

ClinVar aggregate classification (germline): Pathogenic (1 of 4 stars; one submission).

Conditions:
Neuromuscular disease caused by qualitative or quantitative defects of dysferlin. Also called: Dysferlinopathy; Qualitative or quantitative defects of dysferlin. Identifiers: Orphanet 207073, MedGen C2931687, MONDO:0016145.

Submission:

Labcorp Genetics (formerly Invitae), Labcorp
Classification: Pathogenic for Neuromuscular disease caused by qualitative or quantitative defects of dysferlin. Last evaluated: 2024-07-06. Review status: criteria provided, single submitter. Criteria: Invitae Variant Classification Sherloc (09022015). Collection method: clinical testing. Allele origin: germline.
Comment: This sequence change creates a premature translational stop signal (p.Val45Tyrfs*106) in the DYSF gene. It is expected to result in an absent or disrupted protein product. Loss-of-function variants in DYSF are known to be pathogenic (PMID: 17698709, 20301480). This variant is not present in population databases (gnomAD no frequency). This variant has not been reported in the literature in individuals affected with DYSF-related conditions. For these reasons, this variant has been classified as Pathogenic.

Literature cited by the submitters: PubMed 17698709; PubMed 20301480.

NM_001130987.2(DYSF):c.135del (p.Val46fs)

Gene: DYSF (dysferlin; plus strand). Cytogenetic location: 2p13.2.
Variant type: Deletion.
Coding change: c.135del on transcript NM_001130987.2 (MANE Select); coding-DNA position 135, one base deleted (T; older notation c.135delT).
Protein change: p.Val46fs; shifts the reading frame from valine 46.
Molecular consequence: frameshift variant.
Genome position (GRCh38, 1-based): chr2:71,480,926, T deleted. VCF-style (leftmost placement, unchanged base first): chr2-71480925-CT-C. GRCh37 (hg19) VCF-style: chr2-71708055-CT-C.
Other names: c.135del, p.Val46fs (NM_001130455.2, NM_001130982.2, NM_001130983.2 and 3 more transcripts); c.132del, p.Val45fs (NM_001130976.2, NM_001130977.2, NM_001130978.2 and 4 more transcripts); short protein forms V45fs, V46fs.
Identifiers: ClinVar variation 3701678 (VCV003701678.2).